The following is an entry in ClinVar:

NM_005005.3(NDUFB9):c.23C>T (p.Pro8Leu)

Gene: NDUFB9 (NADH:ubiquinone oxidoreductase subunit B9; plus strand). Cytogenetic location: 8q24.13.
Variant type: single nucleotide variant.
Coding change: c.23C>T on transcript NM_005005.3 (MANE Select); coding-DNA position 23, C replaced by T.
Protein change: p.Pro8Leu; replaces proline 8 with leucine.
Molecular consequence: missense variant. On other transcripts: 5 prime UTR variant (2).
Genome position (GRCh38, 1-based): chr8:124,539,209, C>T. VCF-style: chr8-124539209-C-T. GRCh37 (hg19) VCF-style: chr8-125551450-C-T.
Other names: p.P8L:CCC>CTC; c.-111C>T (NM_001278645.2); c.-105C>T (NM_001278646.2); c.23C>T, p.Pro8Leu (NM_001311168.2); short protein forms P8L.
Identifiers: ClinVar variation 214764 (VCV000214764.8), dbSNP rs755557988, ClinGen allele CA324363.

ClinVar aggregate classification (germline): Likely benign. Review status: criteria provided, multiple submitters, no conflicts (2 of 4 stars). 2 submissions from 2 submitters: Likely benign (2). Last evaluated 2025-04-14.

Allele frequency attached by ClinVar (database versions not stated): TOPMed 0.00022; gnomAD 0.00025.
gnomAD v4.1: 82 of 1,614,224 alleles (0.0051%); highest among the groups gnomAD compares: East Asian, 0.14%; no homozygotes.

Submissions (2):

Labcorp Genetics (formerly Invitae), Labcorp
Classification: Likely benign. Last evaluated: 2025-04-14. Review status: criteria provided, single submitter. Criteria: Invitae Variant Classification Sherloc (09022015). Collection method: clinical testing. Allele origin: germline.

GeneDx
Classification: Likely benign. Last evaluated: 2013-10-14. Review status: criteria provided, single submitter. Criteria: GeneDx Variant Classification (06012015). Collection method: clinical testing. Allele origin: germline. Affected: yes.
Comment: This variant is considered likely benign or benign based on one or more of the following criteria: it is a conservative change, it occurs at a poorly conserved position in the protein, it is predicted to be benign by multiple in silico algorithms, and/or has population frequency not consistent with disease.